The following is an entry in ClinVar:

NM_014915.3(ANKRD26):c.1754G>C (p.Arg585Thr)

Gene: ANKRD26 (ankyrin repeat domain 26; minus strand). Cytogenetic location: 10p12.1.
Variant type: single nucleotide variant.
Coding change: c.1754G>C on transcript NM_014915.3 (MANE Select); coding-DNA position 1754, G replaced by C.
Protein change: p.Arg585Thr; replaces arginine 585 with threonine.
Molecular consequence: missense variant.
Genome position (GRCh38, 1-based): chr10:27,048,861, C>G on the plus strand (G>C on the coding strand, the complement: ANKRD26 is on the minus strand). VCF-style: chr10-27048861-C-G. GRCh37 (hg19) VCF-style: chr10-27337790-C-G.
Other names: c.1754G>C, p.Arg585Thr (NM_001256053.2); short protein forms R585T.
Identifiers: ClinVar variation 877277 (VCV000877277.8), dbSNP rs1293742057, ClinGen allele CA376353832.
Genomic context (GRCh38, chr10:27,048,861, plus strand): 5'-CTAGCATACTCTTTATTTTCCTTCCTGGGAAATTGCTGATGATCAGTTTCTCCACTCTTT[C>G]TTTTTTGAATTAATCCATCATCATCATCATCATCTTCAGCATCATCAGTAGCACCATCAT-3'
Protein context (NP_055730.2, residues 575-595): DDDDDGLIQK[Arg585Thr]KSGETDHQQF

ClinVar aggregate classification (germline): Uncertain significance. Review status: criteria provided, multiple submitters, no conflicts (2 of 4 stars). 3 submissions from 3 submitters: Uncertain significance (3). Last evaluated 2025-03-28.

Conditions:
Thrombocytopenia 2 (THC2). Also called: ANKRD26-Related Thrombocytopenia. Identifiers: Orphanet 268322, MedGen C1861185, MONDO:0008555, OMIM 188000.
Inborn genetic diseases. Identifiers: MedGen C0950123, MeSH D030342.

Allele frequency attached by ClinVar (database versions not stated): gnomAD exomes below 0.00001 and 0.00001; TOPMed below 0.00001; gnomAD 0.00001.
gnomAD v4.1: 15 of 1,613,002 alleles (0.00093%); highest among the groups gnomAD compares: Non-Finnish European, 0.0011%; no homozygotes.

Submissions (3):

Labcorp Genetics (formerly Invitae), Labcorp
Classification: Uncertain significance. Last evaluated: 2025-03-28. Review status: criteria provided, single submitter. Criteria: Invitae Variant Classification Sherloc (09022015). Collection method: clinical testing. Allele origin: germline.
Comment: This sequence change replaces arginine, which is basic and polar, with threonine, which is neutral and polar, at codon 585 of the ANKRD26 protein (p.Arg585Thr). This variant is present in population databases (no rsID available, gnomAD 0.002%). This variant has not been reported in the literature in individuals affected with ANKRD26-related conditions. ClinVar contains an entry for this variant (Variation ID: 877277). An algorithm developed to predict the effect of missense changes on protein structure and function (PolyPhen-2) suggests that this variant is likely to be tolerated. In summary, the available evidence is currently insufficient to determine the role of this variant in disease. Therefore, it has been classified as a Variant of Uncertain Significance.

Ambry Genetics
Classification: Uncertain significance for Inborn genetic diseases. Last evaluated: 2024-11-25. Review status: criteria provided, single submitter. Criteria: Ambry Variant Classification Scheme 2023. Collection method: clinical testing. Allele origin: germline.
Comment: The p.R585T variant (also known as c.1754G>C), located in coding exon 17 of the ANKRD26 gene, results from a G to C substitution at nucleotide position 1754. The arginine at codon 585 is replaced by threonine, an amino acid with similar properties. This amino acid position is conserved. In addition, this alteration is predicted to be tolerated by in silico analysis. Based on the available evidence, the clinical significance of this variant remains unclear.

Illumina Laboratory Services, Illumina
Classification: Uncertain significance for Thrombocytopenia 2. Last evaluated: 2018-01-12. Review status: criteria provided, single submitter. Criteria: ICSL Variant Classification Criteria 13 December 2019. Collection method: clinical testing. Allele origin: germline.